The following is an entry in ClinVar:

NM_000352.6(ABCC8):c.3108G>A (p.Trp1036Ter)

Gene: ABCC8 (ATP binding cassette subfamily C member 8; minus strand). Cytogenetic location: 11p15.1.
Variant type: single nucleotide variant.
Coding change: c.3108G>A on transcript NM_000352.6 (MANE Select); coding-DNA position 3108, G replaced by A.
Protein change: p.Trp1036Ter; replaces tryptophan 1036 with a stop codon.
Molecular consequence: nonsense. On other transcripts: non-coding transcript variant (1).
Genome position (GRCh38, 1-based): chr11:17,406,942, C>T on the plus strand (G>A on the coding strand, the complement: ABCC8 is on the minus strand). VCF-style: chr11-17406942-C-T. GRCh37 (hg19) VCF-style: chr11-17428489-C-T.
Other names: c.3111G>A, p.Trp1037Ter (NM_001287174.3); c.3174G>A, p.Trp1058Ter (NM_001351295.2); c.3108G>A, p.Trp1036Ter (NM_001351296.2); c.3105G>A, p.Trp1035Ter (NM_001351297.2); short protein forms W1036*, W1037*, W1035*, W1058*.
Identifiers: ClinVar variation 370556 (VCV000370556.12), dbSNP rs1057516585, ClinGen allele CA16041445.

ClinVar aggregate classification (germline): Conflicting classifications of pathogenicity. Review status: criteria provided, conflicting classifications (1 of 4 stars). 4 submissions from 3 submitters: Pathogenic (1); Uncertain significance (2). 1 of the submissions does not count toward it. Last evaluated 2020-10-08.

Conditions:
Transitory neonatal diabetes mellitus. Also called: Transient neonatal diabetes mellitus. Identifiers: MedGen C0342273, MONDO:0020525, HP:0008255.
Maturity-onset diabetes of the young (MODY). Also called: Maturity onset diabetes mellitus in young. Identifiers: Orphanet 552, MedGen C0342276, MONDO:0018911, HP:0004904.
Hyperinsulinemic hypoglycemia, familial, 1 (HHF1). Also called: Persistent Hyperinsulinemia Hypoglycemia of Infancy; HYPERINSULINISM, FAMILIAL, WITH PANCREATIC NESIDIOBLASTOSIS; HYPOGLYCEMIA, HYPERINSULINEMIC, OF INFANCY; NESIDIOBLASTOSIS OF PANCREAS; Persistent hyperinsulinemic hypoglycemia of infancy. Identifiers: Orphanet 276575, Orphanet 276598, MedGen C2931832, MONDO:0009734, OMIM 256450.

Submissions (4):

Labcorp Genetics (formerly Invitae), Labcorp
Classification: Pathogenic. Last evaluated: 2020-10-08. Review status: criteria provided, single submitter. Criteria: Invitae Variant Classification Sherloc (09022015). Collection method: clinical testing. Allele origin: germline.
Comment: This variant is not present in population databases (ExAC no frequency). This sequence change creates a premature translational stop signal (p.Trp1036*) in the ABCC8 gene. It is expected to result in an absent or disrupted protein product. This variant has been observed in individual(s) with familial hyperinsulinism (PMID: 20685672). It is also known as c.3111G>A, p.Trp1037X in the literature. ClinVar contains an entry for this variant (Variation ID: 370556). For these reasons, this variant has been classified as Pathogenic. Loss-of-function variants in ABCC8 are known to be pathogenic (PMID: 20685672, 23345197).

Clinical Genomics, Uppaluri K&H Personalized Medicine Clinic
Classification: Uncertain significance for Maturity-onset diabetes of the young. Review status: criteria provided, single submitter. Criteria: K & H Uppaluri Personalized Medicine Clinic Variant Classification & Assertion Criteria_Updated V.1. Collection method: research. Allele origin: somatic. Inheritance: Somatic mutation.
Comment: Mutations in ABCC8 gene are associated with both neonatal diabetes mellitus as well as MODY. Patients with this mutation may have a better response to sulfonylureas. However, no sufficient evidence is found to ascertain the role of this particular variant ( rs1057516585) in MODY yet.

Clinical Genomics, Uppaluri K&H Personalized Medicine Clinic
Classification: Uncertain significance for Transitory neonatal diabetes mellitus. Review status: criteria provided, single submitter. Criteria: K & H Uppaluri Personalized Medicine Clinic Variant Classification & Assertion Criteria_Updated V.1. Collection method: research. Allele origin: somatic. Inheritance: Somatic mutation.
Comment: Mutations in ABCC8 gene are associated with both neonatal diabetes mellitus as well as MODY. Patients with this mutation may have a better response to sulfonylureas. However, no sufficient evidence is found to ascertain the role of this particular variant ( rs1057516585) in neonatal diabetes yet.

Counsyl
Classification: Likely pathogenic for Hyperinsulinemic hypoglycemia, familial, 1. Last evaluated: 2016-03-01. Review status: no assertion criteria provided. Collection method: clinical testing. Allele origin: unknown. Not counted in ClinVar's aggregate classification.

Literature cited by the submitters: PubMed 20685672 (cited by Labcorp Genetics (formerly Invitae), Labcorp and Counsyl); PubMed 23345197 (cited by Labcorp Genetics (formerly Invitae), Labcorp); PubMed 16885549 (cited by Clinical Genomics, Uppaluri K&H Personalized Medicine Clinic); PubMed 21989597 (cited by Clinical Genomics, Uppaluri K&H Personalized Medicine Clinic); PubMed 27538677 (cited by Clinical Genomics, Uppaluri K&H Personalized Medicine Clinic); PubMed 18981553 (cited by Clinical Genomics, Uppaluri K&H Personalized Medicine Clinic); PubMed 32027066 (cited by Clinical Genomics, Uppaluri K&H Personalized Medicine Clinic); PubMed 16613899 (cited by Clinical Genomics, Uppaluri K&H Personalized Medicine Clinic); PubMed 18025408 (cited by Clinical Genomics, Uppaluri K&H Personalized Medicine Clinic); PubMed 32792356 (cited by Clinical Genomics, Uppaluri K&H Personalized Medicine Clinic).